The following is an entry in ClinVar:

ClinVar aggregate classification (germline): Uncertain significance. Review status: criteria provided, multiple submitters, no conflicts (2 of 4 stars). 4 submissions from 4 submitters: Uncertain significance (4). Last evaluated 2025-07-07.

Conditions:
Hereditary cancer-predisposing syndrome. Also called: Neoplastic Syndromes, Hereditary; Tumor predisposition; Hereditary Cancer Syndrome; Hereditary neoplastic syndrome. Identifiers: Orphanet 140162, MedGen C0027672, MeSH D009386, MONDO:0015356.
Familial cancer of breast. Also called: BREAST CANCER, FAMILIAL; hereditary breast carcinoma; Hereditary breast cancer. Identifiers: Orphanet 227535, MedGen C0346153, MONDO:0016419, OMIM 114480. Disease mechanism: loss of function.

Allele frequency attached by ClinVar (database versions not stated): gnomAD exomes below 0.00001.
gnomAD v4.1: 6 of 1,614,024 alleles (0.00037%); highest among the groups gnomAD compares: Non-Finnish European, 0.00051%; no homozygotes.

Submissions (4):

Ambry Genetics
Classification: Uncertain significance for Hereditary cancer-predisposing syndrome. Last evaluated: 2025-07-07. Review status: criteria provided, single submitter. Criteria: Ambry Variant Classification Scheme 2023. Collection method: clinical testing. Allele origin: germline.
Comment: The p.L24S variant (also known as c.71T>C), located in coding exon 2 of the PALB2 gene, results from a T to C substitution at nucleotide position 71. The leucine at codon 24 is replaced by serine, an amino acid with dissimilar properties. This alteration has been reported in at least one individual diagnosed with breast cancer in a study of 13087 breast cancer cases and 5488 control individuals in the UK (Decker B et al. J Med Genet, 2017 11;54:732-741). This alteration was found to be functionally abnormal in a homology-directed DNA repair (HDR) assay (Wiltshire T et al. Genet Med, 2020 03;22:622-632). This amino acid position is highly conserved in available vertebrate species. In addition, the in silico prediction for this alteration is inconclusive. Based on the available evidence, the clinical significance of this variant remains unclear.

Labcorp Genetics (formerly Invitae), Labcorp
Classification: Uncertain significance for Familial cancer of breast. Last evaluated: 2025-07-07. Review status: criteria provided, single submitter. Criteria: Invitae Variant Classification Sherloc (09022015). Collection method: clinical testing. Allele origin: germline.
Comment: This sequence change replaces leucine, which is neutral and non-polar, with serine, which is neutral and polar, at codon 24 of the PALB2 protein (p.Leu24Ser). This variant is not present in population databases (gnomAD no frequency). This variant has not been reported in the literature in individuals affected with PALB2-related conditions. ClinVar contains an entry for this variant (Variation ID: 230588). An algorithm developed to predict the effect of missense changes on protein structure and function (PolyPhen-2) suggests that this variant is likely to be disruptive. Experimental studies have shown that this missense change affects PALB2 function (PMID: 31636395, 31757951, 33964450). In summary, the available evidence is currently insufficient to determine the role of this variant in disease. Therefore, it has been classified as a Variant of Uncertain Significance.

Baylor Genetics
Classification: Uncertain significance for Familial cancer of breast. Last evaluated: 2023-11-16. Review status: criteria provided, single submitter. Criteria: ACMG Guidelines, 2015. Collection method: clinical testing. Allele origin: unknown.

Color Diagnostics, LLC DBA Color Health
Classification: Uncertain significance for Hereditary cancer-predisposing syndrome. Last evaluated: 2022-08-15. Review status: criteria provided, single submitter. Criteria: ACMG Guidelines, 2015. Collection method: clinical testing. Allele origin: germline.
Comment: This missense variant replaces leucine with serine at codon 24 of the PALB2 protein. Computational prediction suggests that this variant may not impact protein structure and function (internally defined REVEL score threshold <= 0.5, PMID: 27666373). Functional studies have reported that this variant disrupts PALB2 function in homology-directed DNA repair, BRCA1 and BRCA2 association, sensitivity to PARP inhibitors and DNA damage response (PMID: 31636395, 31757951, 33964450). This variant has been detected in a breast cancer case-control meta-analysis in 0/60466 cases and 1/53461 unaffected individuals (PMID: 33471991; Leiden Open Variation Database DB-ID PALB2_010715). This variant has not been identified in the general population by the Genome Aggregation Database (gnomAD). The available evidence is insufficient to determine the role of this variant in disease conclusively. Therefore, this variant is classified as a Variant of Uncertain Significance.

Literature cited by the submitters: PubMed 28779002 (cited by Ambry Genetics); PubMed 31636395 (cited by 3 submitters); PubMed 31757951 (cited by Labcorp Genetics (formerly Invitae), Labcorp and Color Diagnostics, LLC DBA Color Health); PubMed 33964450 (cited by Labcorp Genetics (formerly Invitae), Labcorp and Color Diagnostics, LLC DBA Color Health); PubMed 33471991 (cited by Color Diagnostics, LLC DBA Color Health).

NM_024675.4(PALB2):c.71T>C (p.Leu24Ser)

Gene: PALB2 (partner and localizer of BRCA2; minus strand). Cytogenetic location: 16p12.2.
Variant type: single nucleotide variant.
Coding change: c.71T>C on transcript NM_024675.4 (MANE Select); coding-DNA position 71, T replaced by C.
Protein change: p.Leu24Ser; replaces leucine 24 with serine.
Molecular consequence: missense variant.
Genome position (GRCh38, 1-based): chr16:23,638,107, A>G on the plus strand (T>C on the coding strand, the complement: PALB2 is on the minus strand). VCF-style: chr16-23638107-A-G. GRCh37 (hg19) VCF-style: chr16-23649428-A-G.
Other names: short protein forms L24S.
Identifiers: ClinVar variation 230588 (VCV000230588.23), dbSNP rs876658653, ClinGen allele CA10580054.